The following is an entry in ClinVar:

NM_022455.5(NSD1):c.7076C>T (p.Pro2359Leu)

Gene: NSD1 (nuclear receptor binding SET domain protein 1; plus strand). Cytogenetic location: 5q35.3.
Variant type: single nucleotide variant.
Coding change: c.7076C>T on transcript NM_022455.5 (MANE Select); coding-DNA position 7076, C replaced by T.
Protein change: p.Pro2359Leu; replaces proline 2359 with leucine.
Molecular consequence: missense variant.
Genome position (GRCh38, 1-based): chr5:177,294,444, C>T. VCF-style: chr5-177294444-C-T. GRCh37 (hg19) VCF-style: chr5-176721445-C-T.
Other names: c.6203C>T, p.Pro2068Leu (NM_001365684.2, NM_001409308.1, NM_172349.5); c.7076C>T, p.Pro2359Leu (NM_001409301.1, NM_001409302.1, NM_001409303.1); c.6656C>T, p.Pro2219Leu (NM_001409304.1); c.6323C>T, p.Pro2108Leu (NM_001409305.1); c.6314C>T, p.Pro2105Leu (NM_001409306.1, NM_001409307.1); c.5954C>T, p.Pro1985Leu (NM_001409309.1); short protein forms P2359L, P2090L, P2219L, P1985L, P2068L, P2105L, P2108L.
Identifiers: ClinVar variation 1361376 (VCV001361376.9), dbSNP rs769699822, ClinGen allele CA3578086.

ClinVar aggregate classification (germline): Conflicting classifications of pathogenicity. Review status: criteria provided, conflicting classifications (1 of 4 stars). 4 submissions from 4 submitters: Uncertain significance (2); Likely benign (2). Last evaluated 2026-02-16.

Conditions:
Inborn genetic diseases. Identifiers: MedGen C0950123, MeSH D030342.

Allele frequency attached by ClinVar (database versions not stated): ExAC 0.00001; gnomAD 0.00001; gnomAD exomes 0.00002; TOPMed 0.00003.
gnomAD v4.1: 29 of 1,614,068 alleles (0.0018%); highest among the groups gnomAD compares: Middle Eastern, 0.016%; no homozygotes.

Submissions (4):

Women's Health and Genetics/Laboratory Corporation of America, LabCorp
Classification: Uncertain significance. Last evaluated: 2026-02-16. Review status: criteria provided, single submitter. Criteria: LabCorp Variant Classification Summary - May 2015. Collection method: clinical testing. Allele origin: germline.
Comment: Variant summary: NSD1 c.7076C>T (p.Pro2359Leu) results in a non-conservative amino acid change in the encoded protein sequence. Algorithms developed to predict the effect of missense changes on protein structure and function are either unavailable or do not agree on the potential impact of this missense change. The variant allele was found at a frequency of 1.6e-05 in 251026 control chromosomes. The available data on variant occurrences in the general population are insufficient to allow any conclusion about variant significance. c.7076C>T has been observed in an individual affected with ventricular septal defect, but no other clinical features of Sotos Syndrome were reported (Sierant_2025). This report does not provide unequivocal conclusions about association of the variant with Sotos Syndrome. To our knowledge, no experimental evidence demonstrating an impact on protein function has been reported. The following publication has been ascertained in the context of this evaluation (PMID: 40127276). ClinVar contains an entry for this variant (Variation ID: 1361376). Based on the evidence outlined above, the variant was classified as uncertain significance.

Labcorp Genetics (formerly Invitae), Labcorp
Classification: Likely benign. Last evaluated: 2025-07-18. Review status: criteria provided, single submitter. Criteria: Invitae Variant Classification Sherloc (09022015). Collection method: clinical testing. Allele origin: germline.

Blueprint Genetics
Classification: Uncertain significance. Last evaluated: 2024-07-23. Review status: criteria provided, single submitter. Criteria: ACMG Guidelines, 2015. Collection method: clinical testing. Allele origin: germline.

Ambry Genetics
Classification: Likely benign for Inborn genetic diseases. Last evaluated: 2022-04-28. Review status: criteria provided, single submitter. Criteria: Ambry Variant Classification Scheme 2023. Collection method: clinical testing. Allele origin: germline.

Literature cited by the submitters: PubMed 40127276 (cited by Women's Health and Genetics/Laboratory Corporation of America, LabCorp).